The following is an entry in ClinVar:

ClinVar aggregate classification (germline): Uncertain significance. Review status: criteria provided, multiple submitters, no conflicts (2 of 4 stars). 3 submissions from 3 submitters: Uncertain significance (3). Last evaluated 2026-04-21.

Conditions:
USP53-related disorder. Also called: USP53-related condition.
Inborn genetic diseases. Identifiers: MedGen C0950123, MeSH D030342.

gnomAD v4.1: 135 of 1,613,928 alleles (0.0084%); highest among the groups gnomAD compares: African/African-American, 0.16%; no homozygotes.

Submissions (3):

PreventionGenetics, part of Exact Sciences
Classification: Uncertain significance for USP53-related condition. Last evaluated: 2026-04-21. Review status: criteria provided, single submitter. Criteria: ACMG Guidelines, 2015. Collection method: clinical testing. Allele origin: germline.
Comment: The USP53 c.1838T>C variant is predicted to result in the amino acid substitution p.Ile613Thr. To our knowledge, this variant has not been reported in the literature. This variant is reported in 0.13% of alleles in individuals of African descent in gnomAD. Although we suspect that this variant may be benign, at this time, the clinical significance of this variant is uncertain due to the absence of conclusive functional and genetic evidence.

Labcorp Genetics (formerly Invitae), Labcorp
Classification: Uncertain significance. Last evaluated: 2025-12-01. Review status: criteria provided, single submitter. Criteria: Invitae Variant Classification Sherloc (09022015). Collection method: clinical testing. Allele origin: germline.
Comment: This sequence change replaces isoleucine, which is neutral and non-polar, with threonine, which is neutral and polar, at codon 613 of the USP53 protein (p.Ile613Thr). This variant is present in population databases (rs200159335, gnomAD 0.1%). This variant has not been reported in the literature in individuals affected with USP53-related conditions. ClinVar contains an entry for this variant (Variation ID: 3467239). An algorithm developed to predict the effect of missense changes on protein structure and function (PolyPhen-2) suggests that this variant is likely to be tolerated. In summary, the available evidence is currently insufficient to determine the role of this variant in disease. Therefore, it has been classified as a Variant of Uncertain Significance.

Ambry Genetics
Classification: Uncertain significance for Inborn genetic diseases. Last evaluated: 2024-08-14. Review status: criteria provided, single submitter. Criteria: Ambry Variant Classification Scheme 2023. Collection method: clinical testing. Allele origin: germline.

NM_001371395.1(USP53):c.1838T>C (p.Ile613Thr)

Gene: USP53 (ubiquitin specific peptidase 53; plus strand). Cytogenetic location: 4q26.
Variant type: single nucleotide variant.
Coding change: c.1838T>C on transcript NM_001371395.1 (MANE Select); coding-DNA position 1838, T replaced by C.
Protein change: p.Ile613Thr; replaces isoleucine 613 with threonine.
Molecular consequence: missense variant.
Genome position (GRCh38, 1-based): chr4:119,271,698, T>C. VCF-style: chr4-119271698-T-C. GRCh37 (hg19) VCF-style: chr4-120192853-T-C.
Other names: c.1688T>C, p.Ile563Thr (NM_001389660.1); c.1685T>C, p.Ile562Thr (NM_001389661.1, NM_001371396.1); c.1490T>C, p.Ile497Thr (NM_001389662.1, NM_001389663.1, NM_001389664.1 and 1 more transcripts); c.1337T>C, p.Ile446Thr (NM_001389665.1, NM_001389667.1); c.1838T>C, p.Ile613Thr (NM_019050.3, NM_001371397.1, NM_001371398.1 and 3 more transcripts); short protein forms I562T, I613T, I446T, I497T, I563T.
Identifiers: ClinVar variation 3467239 (VCV003467239.3).